The following is an entry in ClinVar:

NM_000276.4(OCRL):c.2282T>G (p.Met761Arg)

Gene: OCRL (OCRL inositol polyphosphate-5-phosphatase; plus strand). Cytogenetic location: Xq26.1.
Variant type: single nucleotide variant.
Coding change: c.2282T>G on transcript NM_000276.4 (MANE Select); coding-DNA position 2282, T replaced by G.
Protein change: p.Met761Arg; replaces methionine 761 with arginine.
Molecular consequence: missense variant.
Genome position (GRCh38, 1-based): chrX:129,588,204, T>G. VCF-style: chrX-129588204-T-G. GRCh37 (hg19) VCF-style: chrX-128722181-T-G.
Other names: c.2285T>G, p.Met762Arg (NM_001318784.2); c.2258T>G, p.Met753Arg (NM_001587.4); short protein forms M761R, M762R, M753R.
Identifiers: ClinVar variation 1412144 (VCV001412144.8), dbSNP rs1336177262, ClinGen allele CA414630257.

ClinVar aggregate classification (germline): Conflicting classifications of pathogenicity. Review status: criteria provided, conflicting classifications (1 of 4 stars). 2 submissions from 2 submitters: Uncertain significance (1); Likely benign (1). Last evaluated 2025-11-13.

Conditions:
Lowe syndrome (OCRL). Also called: LOWE OCULOCEREBRORENAL SYNDROME; PHOSPHATIDYLINOSITOL 4,5-BISPHOSPHATE 5-PHOSPHATASE DEFICIENCY; Oculocerebrorenal Syndrome. Identifiers: Orphanet 534, MedGen C0028860, MONDO:0010645, OMIM 309000.

Allele frequency attached by ClinVar (database versions not stated): TOPMed below 0.00001; gnomAD exomes 0.00001 and 0.00002.
gnomAD v4.1: 6 of 1,207,691 alleles (0.0005%); highest among the groups gnomAD compares: Admixed American, 0.013%; no homozygotes.

Submissions (2):

Labcorp Genetics (formerly Invitae), Labcorp
Classification: Likely benign for Lowe syndrome. Last evaluated: 2025-11-13. Review status: criteria provided, single submitter. Criteria: Invitae Variant Classification Sherloc (09022015). Collection method: clinical testing. Allele origin: germline.

Women's Health and Genetics/Laboratory Corporation of America, LabCorp
Classification: Uncertain significance. Last evaluated: 2024-02-27. Review status: criteria provided, single submitter. Criteria: LabCorp Variant Classification Summary - May 2015. Collection method: clinical testing. Allele origin: germline.
Comment: Variant summary: OCRL c.2282T>G (p.Met761Arg) results in a non-conservative amino acid change located in the Inositol polyphosphate 5-phosphatase OCRL, RhoGAP domain (IPR047078) of the encoded protein sequence. Three of five in-silico tools predict a damaging effect of the variant on protein function. The variant allele was found at a frequency of 1.6e-05 in 183162 control chromosomes. The available data on variant occurrences in the general population are insufficient to allow any conclusion about variant significance. To our knowledge, no occurrence of c.2282T>G in individuals affected with Dent Disease and no experimental evidence demonstrating its impact on protein function have been reported. ClinVar contains an entry for this variant (Variation ID: 1412144). Based on the evidence outlined above, the variant was classified as uncertain significance.